The following is an entry in ClinVar:

NM_000083.3(CLCN1):c.2758G>A (p.Gly920Arg)

Gene: CLCN1 (chloride voltage-gated channel 1; plus strand). Cytogenetic location: 7q34.
Variant type: single nucleotide variant.
Coding change: c.2758G>A on transcript NM_000083.3 (MANE Select); coding-DNA position 2758, G replaced by A.
Protein change: p.Gly920Arg; replaces glycine 920 with arginine.
Molecular consequence: missense variant. On other transcripts: non-coding transcript variant (1).
Genome position (GRCh38, 1-based): chr7:143,351,756, G>A. VCF-style: chr7-143351756-G-A. GRCh37 (hg19) VCF-style: chr7-143048849-G-A.
Other names: short protein forms G920R.
Identifiers: ClinVar variation 3267554 (VCV003267554.2).

ClinVar aggregate classification (germline): Uncertain significance. Review status: criteria provided, multiple submitters, no conflicts (2 of 4 stars). 2 submissions from 2 submitters: Uncertain significance (2). Last evaluated 2026-01-17.

Conditions:
Inborn genetic diseases. Identifiers: MedGen C0950123, MeSH D030342.
Congenital myotonia, autosomal recessive form. Also called: BECKER DISEASE; Becker Generalized Myotonia; myotonia congenita, autosomal recessive. Identifiers: Orphanet 614, MedGen C0751360, MONDO:0009715, OMIM 255700.
Congenital myotonia, autosomal dominant form (THD). Also called: THOMSEN DISEASE; Myotonia congenita autosomal dominant. Identifiers: Orphanet 614, MedGen C2936781, MONDO:0008055, OMIM 160800.

gnomAD v4.1: 15 of 1,614,110 alleles (0.00093%); highest among the groups gnomAD compares: Non-Finnish European, 0.0013%; no homozygotes.

Submissions (2):

Labcorp Genetics (formerly Invitae), Labcorp
Classification: Uncertain significance for Congenital myotonia, autosomal recessive form; Congenital myotonia, autosomal dominant form. Last evaluated: 2026-01-17. Review status: criteria provided, single submitter. Criteria: Invitae Variant Classification Sherloc (09022015). Collection method: clinical testing. Allele origin: germline.
Comment: This sequence change replaces glycine, which is neutral and non-polar, with arginine, which is basic and polar, at codon 920 of the CLCN1 protein (p.Gly920Arg). This variant is present in population databases (rs750600965, gnomAD 0.003%). This variant has not been reported in the literature in individuals affected with CLCN1-related conditions. ClinVar contains an entry for this variant (Variation ID: 3267554). Invitae Evidence Modeling of protein sequence and biophysical properties (such as structural, functional, and spatial information, amino acid conservation, physicochemical variation, residue mobility, and thermodynamic stability) indicates that this missense variant is not expected to disrupt CLCN1 protein function with a negative predictive value of 95%. In summary, the available evidence is currently insufficient to determine the role of this variant in disease. Therefore, it has been classified as a Variant of Uncertain Significance.

Ambry Genetics
Classification: Uncertain significance for Inborn genetic diseases. Last evaluated: 2024-05-16. Review status: criteria provided, single submitter. Criteria: Ambry Variant Classification Scheme 2023. Collection method: clinical testing. Allele origin: germline.